The following is an entry in ClinVar:

NC_000008.10:g.(?_6266780)_(6272424_?)del

Gene: MCPH1 (microcephalin 1; plus strand). Cytogenetic location: 8p23.1.
Variant type: Deletion.
Identifiers: ClinVar variation 3245604 (VCV003245604.1).

ClinVar aggregate classification (germline): Pathogenic (1 of 4 stars; one submission).

Submission:

Labcorp Genetics (formerly Invitae), Labcorp
Classification: Pathogenic. Last evaluated: 2023-10-22. Review status: criteria provided, single submitter. Criteria: Invitae Variant Classification Sherloc (09022015). Collection method: clinical testing. Allele origin: unknown.
Comment: This variant is a gross deletion of the genomic region encompassing exon(s) 2-3 of the MCPH1 gene. This deletion is out-of-frame, and is expected to create a premature termination codon and result in an absent or disrupted protein product. Loss-of-function variants in MCPH1 are known to be pathogenic (PMID: 20978018). A similar copy number variant has been observed in individual(s) with microcephaly (PMID: 20978018). For these reasons, this variant has been classified as Pathogenic.

Literature cited by the submitters: PubMed 20978018.